The following is an entry in ClinVar:

ClinVar aggregate classification (germline): Uncertain significance (1 of 4 stars; one submission).

Submission:

GeneDx
Classification: Uncertain significance. Last evaluated: 2022-12-13. Review status: criteria provided, single submitter. Criteria: GeneDx Variant Classification Process June 2021. Collection method: clinical testing. Allele origin: germline. Affected: yes.
Comment: Not observed at significant frequency in large population cohorts (gnomAD); In silico analysis supports that this missense variant does not alter protein structure/function; Has not been previously published as pathogenic or benign to our knowledge

NM_001330360.2(POLA1):c.682C>T (p.Pro228Ser)

Gene: POLA1 (DNA polymerase alpha 1, catalytic subunit; plus strand). Cytogenetic location: Xp22.11.
Variant type: single nucleotide variant.
Coding change: c.682C>T on transcript NM_001330360.2 (MANE Select); coding-DNA position 682, C replaced by T.
Protein change: p.Pro228Ser; replaces proline 228 with serine.
Molecular consequence: missense variant. On other transcripts: non-coding transcript variant (2).
Genome position (GRCh38, 1-based): chrX:24,716,947, C>T. VCF-style: chrX-24716947-C-T. GRCh37 (hg19) VCF-style: chrX-24735064-C-T.
Other names: c.682C>T, p.Pro228Ser (NM_001378303.1); c.664C>T, p.Pro222Ser (NM_016937.4); short protein forms P222S, P228S.
Identifiers: ClinVar variation 2505714 (VCV002505714.1), dbSNP rs749156240, ClinGen allele CA326894294.